The following is an entry in ClinVar:

ClinVar aggregate classification (germline): Uncertain significance. Review status: criteria provided, multiple submitters, no conflicts (2 of 4 stars). 2 submissions from 2 submitters: Uncertain significance (2). Last evaluated 2024-03-07.

gnomAD v4.1: 2 of 1,613,642 alleles (0.00012%); highest among the groups gnomAD compares: Admixed American, 0.0033%; no homozygotes.

Submissions (2):

Ambry Genetics
Classification: Uncertain significance. Last evaluated: 2024-03-07. Review status: criteria provided, single submitter. Criteria: Ambry Variant Classification Scheme 2023. Collection method: clinical testing. Allele origin: germline.

Labcorp Genetics (formerly Invitae), Labcorp
Classification: Uncertain significance. Last evaluated: 2022-06-15. Review status: criteria provided, single submitter. Criteria: Invitae Variant Classification Sherloc (09022015). Collection method: clinical testing. Allele origin: germline.
Comment: In summary, the available evidence is currently insufficient to determine the role of this variant in disease. Therefore, it has been classified as a Variant of Uncertain Significance. This sequence change replaces alanine, which is neutral and non-polar, with glycine, which is neutral and non-polar, at codon 661 of the NUP205 protein (p.Ala661Gly). This variant is present in population databases (no rsID available, gnomAD 0.003%). This variant has not been reported in the literature in individuals affected with NUP205-related conditions. Algorithms developed to predict the effect of missense changes on protein structure and function are either unavailable or do not agree on the potential impact of this missense change (SIFT: "Tolerated"; PolyPhen-2: "Possibly Damaging"; Align-GVGD: "Class C0").

NM_015135.3(NUP205):c.1982C>G (p.Ala661Gly)

Gene: NUP205 (nucleoporin 205; plus strand). Cytogenetic location: 7q33.
Variant type: single nucleotide variant.
Coding change: c.1982C>G on transcript NM_015135.3 (MANE Select); coding-DNA position 1982, C replaced by G.
Protein change: p.Ala661Gly; replaces alanine 661 with glycine.
Molecular consequence: missense variant.
Genome position (GRCh38, 1-based): chr7:135,594,698, C>G. VCF-style: chr7-135594698-C-G. GRCh37 (hg19) VCF-style: chr7-135279446-C-G.
Other names: c.908C>G, p.Ala303Gly (NM_001329434.2); c.1982C>G (NM_015135.2); short protein forms A303G, A661G.
Identifiers: ClinVar variation 2158947 (VCV002158947.5), dbSNP rs765329085, ClinGen allele CA369334027.